The following is an entry in ClinVar:

NM_016169.4(SUFU):c.1012G>T (p.Asp338Tyr)

Gene: SUFU (SUFU negative regulator of hedgehog signaling; plus strand). Cytogenetic location: 10q24.32.
Variant type: single nucleotide variant.
Coding change: c.1012G>T on transcript NM_016169.4 (MANE Select); coding-DNA position 1012, G replaced by T.
Protein change: p.Asp338Tyr; replaces aspartic acid 338 with tyrosine.
Molecular consequence: missense variant.
Genome position (GRCh38, 1-based): chr10:102,599,534, G>T. VCF-style: chr10-102599534-G-T. GRCh37 (hg19) VCF-style: chr10-104359291-G-T.
Other names: c.1012G>T (NM_016169.3); c.1012G>T, p.Asp338Tyr (NM_001178133.2); short protein forms D338Y.
Identifiers: ClinVar variation 1434692 (VCV001434692.9), dbSNP rs145082320, ClinGen allele CA377911197.

ClinVar aggregate classification (germline): Uncertain significance. Review status: criteria provided, multiple submitters, no conflicts (2 of 4 stars). 2 submissions from 2 submitters: Uncertain significance (2). Last evaluated 2022-11-04.

Conditions:
Gorlin syndrome. Also called: Basal cell nevus syndrome; Nevoid Basal Cell Carcinoma Syndrome. Identifiers: Orphanet 377, MedGen C0004779, MONDO:0007187.
Medulloblastoma (MDB). Also called: MEDULLOBLASTOMA PREDISPOSITION SYNDROME; Medulloblastoma, somatic. Identifiers: Orphanet 616, MedGen C0025149, MeSH D008527, MONDO:0007959, OMIM 155255, HP:0002885.
Hereditary cancer-predisposing syndrome. Also called: Neoplastic Syndromes, Hereditary; Hereditary Cancer Syndrome; Tumor predisposition; Hereditary neoplastic syndrome. Identifiers: Orphanet 140162, MedGen C0027672, MeSH D009386, MONDO:0015356.

gnomAD v4.1: 1 of 1,614,060 alleles (0.000062%); highest among the groups gnomAD compares: East Asian, 0.0022%; no homozygotes.

Submissions (2):

Ambry Genetics
Classification: Uncertain significance for Hereditary cancer-predisposing syndrome. Last evaluated: 2022-11-04. Review status: criteria provided, single submitter. Criteria: Ambry Variant Classification Scheme 2023. Collection method: clinical testing. Allele origin: germline.
Comment: The p.D338Y variant (also known as c.1012G>T), located in coding exon 8 of the SUFU gene, results from a G to T substitution at nucleotide position 1012. The aspartic acid at codon 338 is replaced by tyrosine, an amino acid with highly dissimilar properties. This amino acid position is conserved. In addition, the in silico prediction for this alteration is inconclusive. Since supporting evidence is limited at this time, the clinical significance of this alteration remains unclear.

Labcorp Genetics (formerly Invitae), Labcorp
Classification: Uncertain significance for Gorlin syndrome; Medulloblastoma. Last evaluated: 2021-05-12. Review status: criteria provided, single submitter. Criteria: Invitae Variant Classification Sherloc (09022015). Collection method: clinical testing. Allele origin: germline.
Comment: This sequence change replaces aspartic acid with tyrosine at codon 338 of the SUFU protein (p.Asp338Tyr). The aspartic acid residue is highly conserved and there is a large physicochemical difference between aspartic acid and tyrosine. This variant is not present in population databases (ExAC no frequency). This variant has not been reported in the literature in individuals with SUFU-related conditions. Algorithms developed to predict the effect of missense changes on protein structure and function are either unavailable or do not agree on the potential impact of this missense change (SIFT: "Deleterious"; PolyPhen-2: "Benign"; Align-GVGD: "Class C15"). In summary, the available evidence is currently insufficient to determine the role of this variant in disease. Therefore, it has been classified as a Variant of Uncertain Significance.